The following is an entry in ClinVar:

NM_017534.6(MYH2):c.1008+1G>A

Genes: MYH2 (myosin heavy chain 2; minus strand), MYHAS (myosin heavy chain gene cluster antisense RNA; plus strand). Cytogenetic location: 17p13.1.
Variant type: single nucleotide variant.
Coding change: c.1008+1G>A on transcript NM_017534.6 (MANE Select); the canonical splice donor site of the intron after coding-DNA position 1008, G replaced by A.
Molecular consequence: splice donor variant.
Genome position (GRCh38, 1-based): chr17:10,540,593, C>T on the plus strand (G>A on the coding strand, the complement: MYH2 is on the minus strand). VCF-style: chr17-10540593-C-T. GRCh37 (hg19) VCF-style: chr17-10443910-C-T.
Other names: c.1008+1G>A (NM_001100112.2).
Identifiers: ClinVar variation 930108 (VCV000930108.11), dbSNP rs781504304, ClinGen allele CA8391480.

ClinVar aggregate classification (germline): Likely pathogenic. Review status: criteria provided, multiple submitters, no conflicts (2 of 4 stars). 2 submissions from 2 submitters: Likely pathogenic (2). Last evaluated 2025-08-30.

Conditions:
Myopathy, proximal, and ophthalmoplegia (CMYO6). Also called: INCLUSION BODY MYOPATHY 3, AUTOSOMAL DOMINANT; CONGENITAL MYOPATHY 6 WITH OPHTHALMOPLEGIA; MYOPATHY WITH CONGENITAL JOINT CONTRACTURES, OPHTHALMOPLEGIA, AND RIMMED VACUOLES. Identifiers: Orphanet 363677, Orphanet 79091, MedGen C1854106, MONDO:0011577, OMIM 605637.
Childhood-onset autosomal recessive myopathy with external ophthalmoplegia. Identifiers: Orphanet 363677, MedGen C5192594, MONDO:0018206.

Allele frequency attached by ClinVar (database versions not stated): gnomAD 0.00001 and 0.00002; gnomAD exomes 0.00001; ExAC 0.00002; TOPMed 0.00002.
gnomAD v4.1: 12 of 1,601,222 alleles (0.00075%); highest among the groups gnomAD compares: Admixed American, 0.0033%; no homozygotes.

Submissions (2):

Labcorp Genetics (formerly Invitae), Labcorp
Classification: Likely pathogenic for Myopathy, proximal, and ophthalmoplegia. Last evaluated: 2025-08-30. Review status: criteria provided, single submitter. Criteria: Invitae Variant Classification Sherloc (09022015). Collection method: clinical testing. Allele origin: germline.
Comment: This sequence change affects a donor splice site in intron 11 of the MYH2 gene. It is expected to disrupt RNA splicing. Variants that disrupt the donor or acceptor splice site typically lead to a loss of protein function (PMID: 16199547), and loss-of-function variants in MYH2 are known to be pathogenic (PMID: 20418530, 23388406, 24193343). This variant is present in population databases (rs781504304, gnomAD 0.003%). This variant has not been reported in the literature in individuals affected with MYH2-related conditions. ClinVar contains an entry for this variant (Variation ID: 930108). Algorithms developed to predict the effect of sequence changes on RNA splicing suggest that this variant may disrupt the consensus splice site. In summary, the currently available evidence indicates that the variant is pathogenic, but additional data are needed to prove that conclusively. Therefore, this variant has been classified as Likely Pathogenic.

Laboratory for Molecular Medicine, Mass General Brigham Personalized Medicine
Classification: Likely pathogenic for Childhood-onset autosomal recessive myopathy with external ophthalmoplegia. Last evaluated: 2020-01-16. Review status: criteria provided, single submitter. Criteria: LMM Criteria. Collection method: clinical testing. Allele origin: germline. Inheritance: Autosomal recessive inheritance. Observed: 1 variant allele.
Comment: The c.1008+1G>A variant in MYH2 has not been previously reported in individuals with myopathy with external ophthalmoplegia but has been identified in 0.002% (2/111418) of European chromosomes by gnomAD. This variant occurs within the canonical splice site (+/- 1,2) and is predicted to cause altered splicing leading to an abnormal or absent protein. Loss of function of the MYH2 gene is an established disease mechanism in autosomal recessive myopathy with external ophthalmoplegia. In summary, although additional studies are required to fully establish its clinical significance, this variant meets criteria to be classified as likely pathogenic for autosomal recessive myopathy with external ophthalmoplegia. ACMG/AMP Criteria applied: PVS1, PM2.

Literature cited by the submitters: PubMed 16199547 (cited by Labcorp Genetics (formerly Invitae), Labcorp); PubMed 20418530 (cited by Labcorp Genetics (formerly Invitae), Labcorp); PubMed 23388406 (cited by Labcorp Genetics (formerly Invitae), Labcorp); PubMed 24193343 (cited by Labcorp Genetics (formerly Invitae), Labcorp).